The following is an entry in ClinVar:

NM_000256.3(MYBPC3):c.2338A>T (p.Ile780Phe)

Gene: MYBPC3 (myosin binding protein C3; minus strand). Cytogenetic location: 11p11.2.
Variant type: single nucleotide variant.
Coding change: c.2338A>T on transcript NM_000256.3 (MANE Select); coding-DNA position 2338, A replaced by T.
Protein change: p.Ile780Phe; replaces isoleucine 780 with phenylalanine.
Molecular consequence: missense variant.
Genome position (GRCh38, 1-based): chr11:47,337,765, T>A on the plus strand (A>T on the coding strand, the complement: MYBPC3 is on the minus strand). VCF-style: chr11-47337765-T-A. GRCh37 (hg19) VCF-style: chr11-47359316-T-A.
Other names: short protein forms I780F.
Identifiers: ClinVar variation 3071139 (VCV003071139.1), dbSNP rs2495750562, ClinGen allele CA380319010.

ClinVar aggregate classification (germline): Uncertain significance (1 of 4 stars; one submission).

Conditions:
Hypertrophic cardiomyopathy. Also called: HYPERTROPHIC MYOCARDIOPATHY. Identifiers: Orphanet 217569, MedGen C0007194, MeSH D002312, MONDO:0005045, HP:0001639.

Submission:

All of Us Research Program, National Institutes of Health
Classification: Uncertain significance for Hypertrophic cardiomyopathy. Last evaluated: 2023-05-16. Review status: criteria provided, single submitter. Criteria: ACMG Guidelines, 2015. Collection method: clinical testing. Allele origin: germline. Inheritance: Autosomal dominant inheritance. Observed: 1 variant allele, 1 heterozygote.
Comment: This missense variant replaces isoleucine with phenylalanine at codon 780 of the MYBPC3 protein. Computational prediction suggests that this variant may not impact protein structure and function (internally defined REVEL score threshold <= 0.5, PMID: 27666373). To our knowledge, functional studies have not been reported for this variant. This variant has not been reported in individuals affected with MYBPC3-related disorders in the literature. This variant has not been identified in the general population by the Genome Aggregation Database (gnomAD). The available evidence is insufficient to determine the role of this variant in disease conclusively. Therefore, this variant is classified as a Variant of Uncertain Significance.

This study involves interpretation of variants in research participants for the purpose of population health screening. Participant phenotype was not available at the time of variant classification. Additional details can be found in publication PMID: 35346344, PMCID: PMC8962531